The following is an entry in ClinVar:

ClinVar aggregate classification (germline): Uncertain significance (1 of 4 stars; one submission).

Conditions:
Primary dilated cardiomyopathy (DCM). Also called: Dilated Cardiomyopathy. Identifiers: Orphanet 217604, MedGen C0007193, MeSH D002311, MONDO:0005021, HP:0001644. Inheritance: Various modes of inheritance.

Allele frequency attached by ClinVar (database versions not stated): gnomAD exomes 0.00001; TOPMed 0.00012.
gnomAD v4.1: 28 of 1,584,408 alleles (0.0018%); highest among the groups gnomAD compares: Admixed American, 0.047%; no homozygotes.

Submission:

Labcorp Genetics (formerly Invitae), Labcorp
Classification: Uncertain significance for Primary dilated cardiomyopathy. Last evaluated: 2022-01-26. Review status: criteria provided, single submitter. Criteria: Invitae Variant Classification Sherloc (09022015). Collection method: clinical testing. Allele origin: germline.
Comment: This sequence change falls in intron 13 of the NEBL gene. It does not directly change the encoded amino acid sequence of the NEBL protein. It affects a nucleotide within the consensus splice site. This variant is present in population databases (no rsID available, gnomAD 0.02%). This variant has not been reported in the literature in individuals affected with NEBL-related conditions. Variants that disrupt the consensus splice site are a relatively common cause of aberrant splicing (PMID: 17576681, 9536098). Algorithms developed to predict the effect of sequence changes on RNA splicing suggest that this variant may disrupt the consensus splice site. In summary, the available evidence is currently insufficient to determine the role of this variant in disease. Therefore, it has been classified as a Variant of Uncertain Significance.

Literature cited by the submitters: PubMed 17576681; PubMed 9536098.

NM_006393.3(NEBL):c.1339-3C>G

Gene: NEBL (nebulette; minus strand). Cytogenetic location: 10p12.31.
Variant type: single nucleotide variant.
Coding change: c.1339-3C>G on transcript NM_006393.3 (MANE Select); 3 bases into the intron before coding-DNA position 1339, C replaced by G.
Molecular consequence: intron variant.
Genome position (GRCh38, 1-based): chr10:20,835,626, G>C on the plus strand (C>G on the coding strand, the complement: NEBL is on the minus strand). VCF-style: chr10-20835626-G-C. GRCh37 (hg19) VCF-style: chr10-21124555-G-C.
Other names: c.250-22686C>G (NM_001377326.1, NM_001377327.1, NM_001377328.1); c.358-22686C>G (NM_213569.2, NM_001173484.2, NM_001377322.1); c.301-22686C>G (NM_001377324.1); c.292-22686C>G (NM_001377325.1); c.310-22686C>G (NM_001377323.1).
Identifiers: ClinVar variation 2168749 (VCV002168749.4), dbSNP rs1463838530, ClinGen allele CA591873375.